The following is an entry in ClinVar:

NM_001953.5(TYMP):c.639C>T (p.Leu213=)

Gene: TYMP (thymidine phosphorylase; minus strand). Cytogenetic location: 22q13.33.
Variant type: single nucleotide variant.
Coding change: c.639C>T on transcript NM_001953.5 (MANE Select); coding-DNA position 639, C replaced by T.
Protein change: p.Leu213=; no amino-acid change (leucine 213 retained).
Molecular consequence: synonymous variant.
Genome position (GRCh38, 1-based): chr22:50,527,595, G>A on the plus strand (C>T on the coding strand, the complement: TYMP is on the minus strand). VCF-style: chr22-50527595-G-A. GRCh37 (hg19) VCF-style: chr22-50966024-G-A.
Other names: c.639C>T, p.Leu213= (LRG_727t2, LRG_727t1, NM_001113755.3 and 3 more transcripts).
Identifiers: ClinVar variation 514802 (VCV000514802.11), dbSNP rs146557523, ClinGen allele CA10321683.
Genomic context (GRCh38, chr22:50,527,595, plus strand): 5'-TTGGAGGTCAGGAGCCTGTGAACATGCAGAAGCAGGCCATGGAGTCAGGTCACCTGTGAT[G>A]AGTGGCAGGCTGTCCACGGTGGCTGTCACATCTCTGGCTGCATATAGGATTCCGTCCGCA-3'
Protein context (NP_001944.1, residues 203-223): DVTATVDSLP[Leu213=]ITASILSKKL

ClinVar aggregate classification (germline): Likely benign. Review status: criteria provided, multiple submitters, no conflicts (2 of 4 stars). 2 submissions from 2 submitters: Likely benign (2). Last evaluated 2025-12-29.

Allele frequency attached by ClinVar (database versions not stated): gnomAD exomes 0.00001 and 0.00005; ExAC 0.00008; gnomAD 0.00011 and 0.00013; TOPMed 0.00019; ESP Exome Variant Server 0.00023.
gnomAD v4.1: 40 of 1,613,880 alleles (0.0025%); highest among the groups gnomAD compares: African/African-American, 0.051%; no homozygotes.

Submissions (2):

Labcorp Genetics (formerly Invitae), Labcorp
Classification: Likely benign. Last evaluated: 2025-12-29. Review status: criteria provided, single submitter. Criteria: Invitae Variant Classification Sherloc (09022015). Collection method: clinical testing. Allele origin: germline.

GeneDx
Classification: Likely benign. Last evaluated: 2018-01-23. Review status: criteria provided, single submitter. Criteria: GeneDx Variant Classification (06012015). Collection method: clinical testing. Allele origin: germline. Affected: yes.
Comment: This variant is considered likely benign or benign based on one or more of the following criteria: it is a conservative change, it occurs at a poorly conserved position in the protein, it is predicted to be benign by multiple in silico algorithms, and/or has population frequency not consistent with disease.